The following is an entry in ClinVar:

NM_000019.4(ACAT1):c.814C>T (p.Gln272Ter)

Gene: ACAT1 (acetyl-CoA acetyltransferase 1; plus strand). Cytogenetic location: 11q22.3.
Variant type: single nucleotide variant.
Coding change: c.814C>T on transcript NM_000019.4 (MANE Select); coding-DNA position 814, C replaced by T.
Protein change: p.Gln272Ter; replaces glutamine 272 with a stop codon.
Molecular consequence: nonsense.
Genome position (GRCh38, 1-based): chr11:108,141,688, C>T. VCF-style: chr11-108141688-C-T. GRCh37 (hg19) VCF-style: chr11-108012415-C-T.
Other names: c.814C>T, p.Gln272Ter (LRG_1400t1); short protein forms Q272*.
Identifiers: ClinVar variation 2840 (VCV000002840.29), dbSNP rs120074144, ClinGen allele CA220228.

ClinVar aggregate classification (germline): Pathogenic. Review status: criteria provided, multiple submitters, no conflicts (2 of 4 stars). 10 submissions from 10 submitters: Pathogenic (9). 1 of the submissions does not count toward it. Last evaluated 2026-08-06.

Conditions:
Inborn errors of metabolism. Also called: Inborn error of metabolism. Identifiers: Orphanet 68367, MedGen C0025521, MONDO:0019052.
Deficiency of acetyl-CoA acetyltransferase. Also called: Beta-ketothiolase deficiency; 3-KETOTHIOLASE DEFICIENCY; 3-OXOTHIOLASE DEFICIENCY; MITOCHONDRIAL ACETOACETYL-CoA THIOLASE DEFICIENCY. Identifiers: Orphanet 134, MedGen C1536500, MONDO:0008760, OMIM 203750. Disease mechanism: loss of function.

Allele frequency attached by ClinVar (database versions not stated): gnomAD 0.00001; TOPMed 0.00002.
gnomAD v4.1: 35 of 1,611,688 alleles (0.0022%); highest among the groups gnomAD compares: Non-Finnish European, 0.0029%; no homozygotes.

Submissions (10):

North West Genomic Laboratory Hub, Manchester University NHS Foundation Trust
Classification: Pathogenic for Inborn error of metabolism. Last evaluated: 2026-08-06. Review status: criteria provided, single submitter. Criteria: ACGS Best Practice Guidelines for Variant Classification in Rare Disease 2024. Collection method: clinical testing. Allele origin: germline. Affected: yes.
Comment: PP4_Str PM2_Mod PVS1_VStr PM3_Mod

Myriad Genetics, Inc.
Classification: Pathogenic for Deficiency of acetyl-CoA acetyltransferase. Last evaluated: 2025-03-08. Review status: criteria provided, single submitter. Criteria: Myriad Autosomal Dominant, Autosomal Recessive and X-Linked Classification Criteria (2023). Collection method: clinical testing. Allele origin: unknown.
Comment: NM_000019.3(ACAT1):c.814C>T(Q272*) is expected to be pathogenic in the context of beta-ketothiolase deficiency. This variant is predicted to lead to an abnormal or absent protein product due to the creation of a premature termination codon in ACAT1, a gene where loss-of-function variants are known to be pathogenic. Please note: this variant was assessed in the context of healthy population screening.

Labcorp Genetics (formerly Invitae), Labcorp
Classification: Pathogenic for Deficiency of acetyl-CoA acetyltransferase. Last evaluated: 2024-06-05. Review status: criteria provided, single submitter. Criteria: Invitae Variant Classification Sherloc (09022015). Collection method: clinical testing. Allele origin: germline.
Comment: This sequence change creates a premature translational stop signal (p.Gln272*) in the ACAT1 gene. It is expected to result in an absent or disrupted protein product. Loss-of-function variants in ACAT1 are known to be pathogenic (PMID: 7749408). This variant is present in population databases (rs120074144, gnomAD 0.002%). This premature translational stop signal has been observed in individual(s) with beta-ketothiolase deficiency (PMID: 7907600). ClinVar contains an entry for this variant (Variation ID: 2840). Algorithms developed to predict the effect of sequence changes on RNA splicing suggest that this variant may disrupt the consensus splice site. For these reasons, this variant has been classified as Pathogenic.

Natera, Inc.
Classification: Pathogenic for Alpha-methylacetoacetic aciduria. Last evaluated: 2024-04-30. Review status: criteria provided, single submitter. Criteria: Natera Variant Classification Schema (03/2026). Collection method: clinical testing. Allele origin: germline.
Comment: The c.814C>T variant in ACAT1 is a nonsense variant predicted to introduce a stop codon at amino acid 272. This variant is expected to result in nonsense mediated decay, truncation, or a dysfunctional protein product. This variant is rare in the general population with a frequency below the threshold expected for the associated phenotype(s). This variant has been observed in one or more individuals affected with the associated recessive disease, as either homozygous or compound heterozygous with a second variant (PMID: 17236799, 28255778). Functional studies show that this variant may disrupt protein function (PMID: 7907600). Given the available evidence, this variant is classified as Pathogenic.

GeneDx
Classification: Pathogenic. Last evaluated: 2022-08-25. Review status: criteria provided, single submitter. Criteria: GeneDx Variant Classification Process June 2021. Collection method: clinical testing. Allele origin: germline. Affected: yes.
Comment: Nonsense variant predicted to result in protein truncation or nonsense mediated decay in a gene for which loss-of-function is a known mechanism of disease; Not observed at a significant frequency in large population cohorts (gnomAD); This variant is associated with the following publications: (PMID: 7749408, 17236799, 31268215, 28255778, 31589614, 25525159, 7907600)

Women's Health and Genetics/Laboratory Corporation of America, LabCorp
Classification: Pathogenic for Deficiency of acetyl-CoA acetyltransferase. Last evaluated: 2019-08-30. Review status: criteria provided, single submitter. Criteria: LabCorp Variant Classification Summary - May 2015. Collection method: clinical testing. Allele origin: germline.
Comment: Variant summary: ACAT1 c.814C>T (p.Gln272X) results in a premature termination codon, predicted to cause a truncation of the encoded protein or absence of the protein due to nonsense mediated decay, which are commonly known mechanisms for disease. Truncations downstream of this position have been classified as pathogenic by other clinical diagnostic laboratories in ClinVar. 5/5 computational tools predict no significant impact on normal splicing. However, one publication reports experimental evidence that this variant affects mRNA splicing (Fukao_1994). The variant allele was found at a frequency of 4e-06 in 250654 control chromosomes. c.814C>T has been reported in the literature in individuals affected with Mitochondrial Acetoacetyl-CoA Thiolase Deficiency (Fukao_1994, Sakurai_2007). These data indicate that the variant may be associated with disease. Three clinical diagnostic laboratories have submitted clinical-significance assessments for this variant to ClinVar after 2014 without evidence for independent evaluation. All laboratories classified the variant as pathogenic. Based on the evidence outlined above, the variant was classified as pathogenic.

Department of Pediatrics, Gifu University
Classification: Pathogenic for Deficiency of acetyl-CoA acetyltransferase. Last evaluated: 2019-05-05. Review status: criteria provided, single submitter. Criteria: ACMG Guidelines, 2015. Collection method: research. Allele origin: germline. Affected: yes. Observed: 5 variant alleles. Clinical features observed: Ketoacidosis.

Fulgent Genetics
Classification: Pathogenic for Deficiency of acetyl-CoA acetyltransferase. Last evaluated: 2018-10-31. Review status: criteria provided, single submitter. Criteria: ACMG Guidelines, 2015. Collection method: clinical testing. Allele origin: unknown.

Eurofins Ntd Llc (ga)
Classification: Pathogenic. Last evaluated: 2013-08-09. Review status: criteria provided, single submitter. Criteria: EGL Classification Definitions. Collection method: clinical testing. Allele origin: germline. Observed: 2 variant alleles, 2 heterozygotes.

OMIM
Classification: Pathogenic for 3-KETOTHIOLASE DEFICIENCY. Last evaluated: 1994-03-01. Review status: no assertion criteria provided. Collection method: literature only. Allele origin: germline. Not counted in ClinVar's aggregate classification.

Literature cited by the submitters: PubMed 7749408 (cited by Labcorp Genetics (formerly Invitae), Labcorp); PubMed 7907600 (cited by 5 submitters); PubMed 17236799 (cited by Natera, Inc. and Women's Health and Genetics/Laboratory Corporation of America, LabCorp); PubMed 28255778 (cited by Natera, Inc.); PubMed 31268215 (cited by Department of Pediatrics, Gifu University).